The following is an entry in ClinVar:

ClinVar aggregate classification (germline): Uncertain significance (1 of 4 stars; one submission).

Conditions:
Hereditary cancer-predisposing syndrome. Also called: Neoplastic Syndromes, Hereditary; Tumor predisposition; Hereditary Cancer Syndrome; Hereditary neoplastic syndrome. Identifiers: Orphanet 140162, MedGen C0027672, MeSH D009386, MONDO:0015356.

Submission:

Ambry Genetics
Classification: Uncertain significance for Hereditary cancer-predisposing syndrome. Last evaluated: 2025-12-22. Review status: criteria provided, single submitter. Criteria: Ambry Variant Classification Scheme 2023. Collection method: clinical testing. Allele origin: germline.
Comment: The p.A87G variant (also known as c.260C>G), located in coding exon 2 of the KIT gene, results from a C to G substitution at nucleotide position 260. The alanine at codon 87 is replaced by glycine, an amino acid with similar properties. This amino acid position is conserved. In addition, this alteration is predicted to be tolerated by in silico analysis. Based on the available evidence, the clinical significance of this variant remains unclear.

NM_000222.3(KIT):c.260C>G (p.Ala87Gly)

Gene: KIT (KIT proto-oncogene, receptor tyrosine kinase; plus strand). Cytogenetic location: 4q12.
Variant type: single nucleotide variant.
Coding change: c.260C>G on transcript NM_000222.3 (MANE Select); coding-DNA position 260, C replaced by G.
Protein change: p.Ala87Gly; replaces alanine 87 with glycine.
Molecular consequence: missense variant.
Genome position (GRCh38, 1-based): chr4:54,695,704, C>G. VCF-style: chr4-54695704-C-G. GRCh37 (hg19) VCF-style: chr4-55561870-C-G.
Other names: c.260C>G, p.Ala87Gly (NM_001093772.2, NM_001385284.1, NM_001385285.1 and 4 more transcripts); short protein forms A87G.
Identifiers: ClinVar variation 4841365 (VCV004841365.1).